The following is an entry in ClinVar:

ClinVar aggregate classification (germline): Pathogenic (1 of 4 stars; one submission).

Conditions:
Schwannomatosis (SWNTS1). Identifiers: Orphanet 93921, MedGen C1335929, MeSH C536641, MONDO:0008075.

Submission:

Women's Health and Genetics/Laboratory Corporation of America, LabCorp
Classification: Pathogenic for Schwannomatosis. Last evaluated: 2024-08-26. Review status: criteria provided, single submitter. Criteria: LabCorp Variant Classification Summary - May 2015. Collection method: clinical testing. Allele origin: germline.
Comment: Variant summary: LZTR1 c.1496_1590dup95 (p.Asp531TrpfsX57) results in a premature termination codon, predicted to cause a truncation of the encoded protein or absence of the protein due to nonsense mediated decay, which are commonly known mechanisms for disease. The variant was absent in 215084 control chromosomes. To our knowledge, no occurrence of c.1496_1590dup95 in individuals affected with LZTR1-related conditions and no experimental evidence demonstrating its impact on protein function have been reported. ClinVar contains an entry for this variant (Variation ID: 928947). Germline loss of function mutations in LZTR1 have been reported to predispose to an inherited disorder of multiple schwannomas (Piotrowski_2014) and recessive Noonan syndrome (Johnston_2018). Based on the evidence outlined above, the variant was classified as pathogenic for the risk of multiple schwannomas and recessive Noonan syndrome.

NM_006767.4(LZTR1):c.1496_1590dup (p.Asp531fs)

Gene: LZTR1 (leucine zipper like post translational regulator 1; plus strand). Cytogenetic location: 22q11.21.
Variant type: Duplication.
Coding change: c.1496_1590dup on transcript NM_006767.4 (MANE Select); coding-DNA positions 1496 to 1590, 95 bases duplicated.
Protein change: p.Asp531fs; shifts the reading frame from aspartic acid 531.
Molecular consequence: frameshift variant.
Genome position (GRCh38, 1-based): chr22:20,994,150-20,994,244, 95 bases duplicated. GRCh37 (hg19): chr22:21,348,439-21,348,533.
Other names: c.1496_1590dup95 (NM_006767.4); short protein forms D531fs.
Identifiers: ClinVar variation 928947 (VCV000928947.2), dbSNP rs1924717764, ClinGen allele CA1139666976.